The following is an entry in ClinVar:

ClinVar aggregate classification (germline): Benign/Likely benign. Review status: criteria provided, multiple submitters, no conflicts (2 of 4 stars). 5 submissions from 4 submitters: Benign (4); Likely benign (1). Last evaluated 2026-02-03.

Conditions:
Developmental and epileptic encephalopathy, 1 (DEE1). Also called: X-linked infantile spasms; West's syndrome; Tonic spasms with clustering, arrest of psychomotor development and hypsarrhythmia on EEG; X-Linked Infantile Spasm Syndrome; OHTAHARA SYNDROME, X-LINKED; INFANTILE SPASM SYNDROME, X-LINKED 1. Identifiers: MedGen C3463992, MONDO:0010632, OMIM 308350. Disease mechanism: loss of function.
Autosomal recessive spinocerebellar ataxia 12. Also called: SPINOCEREBELLAR ATAXIA WITH MENTAL RETARDATION AND EPILEPSY. Identifiers: Orphanet 284282, MedGen C3280452, MONDO:0013687, OMIM 614322.
Developmental and epileptic encephalopathy, 28 (DEE28). Also called: Epileptic encephalopathy, early infantile, 28. Identifiers: Orphanet 442835, MedGen C4015519, MONDO:0014533, OMIM 616211.

Allele frequency attached by ClinVar (database versions not stated): gnomAD 0.01385 and 0.01497; TOPMed 0.01497; gnomAD exomes 0.01992; ExAC 0.03717.

Submissions (5):

Labcorp Genetics (formerly Invitae), Labcorp
Classification: Benign for Developmental and epileptic encephalopathy, 1; Autosomal recessive spinocerebellar ataxia 12. Last evaluated: 2026-02-03. Review status: criteria provided, single submitter. Criteria: Invitae Variant Classification Sherloc (09022015). Collection method: clinical testing. Allele origin: germline.

Blueprint Genetics
Classification: Likely benign. Last evaluated: 2024-11-27. Review status: criteria provided, single submitter. Criteria: ACMG Guidelines, 2015. Collection method: clinical testing. Allele origin: germline.

Genome-Nilou Lab
Classification: Benign for Developmental and epileptic encephalopathy, 28. Last evaluated: 2021-12-05. Review status: criteria provided, single submitter. Criteria: ACMG Guidelines, 2015. Collection method: clinical testing. Allele origin: germline. Affected: no.

Genome-Nilou Lab
Classification: Benign for Autosomal recessive spinocerebellar ataxia 12. Last evaluated: 2021-12-05. Review status: criteria provided, single submitter. Criteria: ACMG Guidelines, 2015. Collection method: clinical testing. Allele origin: germline. Affected: no.

GeneDx
Classification: Benign. Last evaluated: 2016-07-11. Review status: criteria provided, single submitter. Criteria: GeneDx Variant Classification (06012015). Collection method: clinical testing. Allele origin: germline. Affected: yes.
Comment: This variant is considered likely benign or benign based on one or more of the following criteria: it is a conservative change, it occurs at a poorly conserved position in the protein, it is predicted to be benign by multiple in silico algorithms, and/or has population frequency not consistent with disease.

NM_016373.4(WWOX):c.108-12del

Gene: WWOX (WW domain containing oxidoreductase; plus strand). Cytogenetic location: 16q23.1.
Variant type: Deletion.
Coding change: c.108-12del on transcript NM_016373.4 (MANE Select); 12 bases into the intron before coding-DNA position 108, one base deleted (G; older notation c.108-12delG).
Molecular consequence: intron variant.
Genome position (GRCh38, 1-based): chr16:78,108,411, G deleted. VCF-style (leftmost placement, unchanged base first): chr16-78108410-TG-T. GRCh37 (hg19) VCF-style: chr16-78142307-TG-T.
Other names: c.-167-1367del (NM_001291997.2); c.108-12del (NM_130791.5).
Identifiers: ClinVar variation 419900 (VCV000419900.12), dbSNP rs149533117, ClinGen allele CA8183013.